The following is an entry in ClinVar:

ClinVar aggregate classification (germline): Uncertain significance. Review status: criteria provided, multiple submitters, no conflicts (2 of 4 stars). 3 submissions from 3 submitters: Uncertain significance (3). Last evaluated 2024-08-29.

Conditions:
Familial thoracic aortic aneurysm and aortic dissection (TAAD). Also called: Thoracic aortic aneurysms and dissections. Identifiers: Orphanet 91387, MedGen C4707243, MONDO:0019625.
Loeys-Dietz syndrome 4 (LDS4). Also called: ANEURYSM, AORTIC AND CEREBRAL, WITH ARTERIAL TORTUOSITY AND SKELETAL MANIFESTATIONS; TGFB2-Related Loeys-Dietz Syndrome. Identifiers: MedGen C3553762, MONDO:0013897, OMIM 614816.

Allele frequency attached by ClinVar (database versions not stated): TOPMed below 0.00001.

Submissions (3):

Labcorp Genetics (formerly Invitae), Labcorp
Classification: Uncertain significance for Loeys-Dietz syndrome 4. Last evaluated: 2024-08-29. Review status: criteria provided, single submitter. Criteria: Invitae Variant Classification Sherloc (09022015). Collection method: clinical testing. Allele origin: germline.
Comment: This sequence change replaces asparagine, which is neutral and polar, with histidine, which is basic and polar, at codon 405 of the TGFB2 protein (p.Asn405His). This variant is not present in population databases (gnomAD no frequency). This variant has not been reported in the literature in individuals affected with TGFB2-related conditions. ClinVar contains an entry for this variant (Variation ID: 2216786). Invitae Evidence Modeling of protein sequence and biophysical properties (such as structural, functional, and spatial information, amino acid conservation, physicochemical variation, residue mobility, and thermodynamic stability) indicates that this missense variant is expected to disrupt TGFB2 protein function with a positive predictive value of 80%. In summary, the available evidence is currently insufficient to determine the role of this variant in disease. Therefore, it has been classified as a Variant of Uncertain Significance.

Ambry Genetics
Classification: Uncertain significance for Familial thoracic aortic aneurysm and aortic dissection. Last evaluated: 2021-10-12. Review status: criteria provided, single submitter. Criteria: Ambry Variant Classification Scheme 2023. Collection method: clinical testing. Allele origin: germline.

Blueprint Genetics
Classification: Uncertain significance. Last evaluated: 2020-07-08. Review status: criteria provided, single submitter. Criteria: ACMG Guidelines, 2015. Collection method: clinical testing. Allele origin: germline.

NM_003238.6(TGFB2):c.1213A>C (p.Asn405His)

Gene: TGFB2 (transforming growth factor beta 2; plus strand). Cytogenetic location: 1q41.
Variant type: single nucleotide variant.
Coding change: c.1213A>C on transcript NM_003238.6 (MANE Select); coding-DNA position 1213, A replaced by C.
Protein change: p.Asn405His; replaces asparagine 405 with histidine.
Molecular consequence: missense variant. On other transcripts: non-coding transcript variant (2).
Genome position (GRCh38, 1-based): chr1:218,441,330, A>C. VCF-style: chr1-218441330-A-C. GRCh37 (hg19) VCF-style: chr1-218614672-A-C.
Other names: c.1297A>C, p.Asn433His (NM_001135599.4); short protein forms N433H, N405H.
Identifiers: ClinVar variation 2216786 (VCV002216786.5), dbSNP rs1660144489, ClinGen allele CA344728031.